The following is an entry in ClinVar:

NM_000535.7(PMS2):c.354-7C>A

Gene: PMS2 (PMS1 homolog 2, mismatch repair system component; minus strand). Cytogenetic location: 7p22.1.
Variant type: single nucleotide variant.
Coding change: c.354-7C>A on transcript NM_000535.7 (MANE Select); 7 bases into the intron before coding-DNA position 354, C replaced by A.
Molecular consequence: intron variant. On other transcripts: missense variant (1).
Genome position (GRCh38, 1-based): chr7:6,002,643, G>T on the plus strand (C>A on the coding strand, the complement: PMS2 is on the minus strand). VCF-style: chr7-6002643-G-T. GRCh37 (hg19) VCF-style: chr7-6042274-G-T.
Other names: c.38C>A, p.Ser13Tyr (NM_001322015.2); c.36-7C>A (NM_001322008.2, NM_001322007.2); c.-52-7C>A (NM_001322010.2, NM_001322004.2, NM_001322013.2 and 3 more transcripts); c.-531-7C>A (NM_001322012.2, NM_001322011.2); c.354-7C>A (NM_001322006.2, NM_001322014.2); short protein forms S13Y.
Identifiers: ClinVar variation 455715 (VCV000455715.11), dbSNP rs758471869, ClinGen allele CA658657652.

ClinVar aggregate classification (germline): Uncertain significance. Review status: criteria provided, multiple submitters, no conflicts (2 of 4 stars). 2 submissions from 2 submitters: Uncertain significance (2). Last evaluated 2025-05-26.

Conditions:
Hereditary nonpolyposis colorectal neoplasms. Identifiers: MedGen C0009405, MeSH D003123.

Submissions (2):

Labcorp Genetics (formerly Invitae), Labcorp
Classification: Uncertain significance for Hereditary nonpolyposis colorectal neoplasms. Last evaluated: 2025-05-26. Review status: criteria provided, single submitter. Criteria: Invitae Variant Classification Sherloc (09022015). Collection method: clinical testing. Allele origin: germline.
Comment: This sequence change falls in intron 4 of the PMS2 gene. It does not directly change the encoded amino acid sequence of the PMS2 protein. This variant is not present in population databases (gnomAD no frequency). This variant has not been reported in the literature in individuals affected with PMS2-related conditions. ClinVar contains an entry for this variant (Variation ID: 455715). Algorithms developed to predict the effect of sequence changes on RNA splicing suggest that this variant may disrupt the consensus splice site. In summary, the available evidence is currently insufficient to determine the role of this variant in disease. Therefore, it has been classified as a Variant of Uncertain Significance.

Quest Diagnostics Nichols Institute San Juan Capistrano
Classification: Uncertain significance. Last evaluated: 2019-05-08. Review status: criteria provided, single submitter. Criteria: Quest Diagnostics criteria. Collection method: clinical testing. Allele origin: germline.

Literature cited by the submitters: PubMed 28135145 (cited by Quest Diagnostics Nichols Institute San Juan Capistrano).